The following is an entry in ClinVar:

NM_004104.5(FASN):c.3255G>T (p.Arg1085Ser)

Gene: FASN (fatty acid synthase; minus strand). Cytogenetic location: 17q25.3.
Variant type: single nucleotide variant.
Coding change: c.3255G>T on transcript NM_004104.5 (MANE Select); coding-DNA position 3255, G replaced by T.
Protein change: p.Arg1085Ser; replaces arginine 1085 with serine.
Molecular consequence: missense variant.
Genome position (GRCh38, 1-based): chr17:82,087,222, C>A on the plus strand (G>T on the coding strand, the complement: FASN is on the minus strand). VCF-style: chr17-82087222-C-A. GRCh37 (hg19) VCF-style: chr17-80045098-C-A.
Other names: short protein forms R1085S.
Identifiers: ClinVar variation 2063205 (VCV002063205.4), dbSNP rs751850382, ClinGen allele CA8852455.

ClinVar aggregate classification (germline): Uncertain significance (1 of 4 stars; one submission).

Conditions:
Epileptic encephalopathy. Identifiers: MedGen C0543888, HP:0200134.

Allele frequency attached by ClinVar (database versions not stated): gnomAD 0.00001; TOPMed below 0.00001; ExAC 0.00002.
gnomAD v4.1: 9 of 1,607,770 alleles (0.00056%); highest among the groups gnomAD compares: Admixed American, 0.0017%; no homozygotes.

Submission:

Labcorp Genetics (formerly Invitae), Labcorp
Classification: Uncertain significance for Epileptic encephalopathy. Last evaluated: 2022-04-04. Review status: criteria provided, single submitter. Criteria: Invitae Variant Classification Sherloc (09022015). Collection method: clinical testing. Allele origin: germline.
Comment: In summary, the available evidence is currently insufficient to determine the role of this variant in disease. Therefore, it has been classified as a Variant of Uncertain Significance. Algorithms developed to predict the effect of missense changes on protein structure and function output the following: SIFT: "Tolerated"; PolyPhen-2: "Benign"; Align-GVGD: "Class C0". The serine amino acid residue is found in multiple mammalian species, which suggests that this missense change does not adversely affect protein function. This variant has not been reported in the literature in individuals affected with FASN-related conditions. The frequency data for this variant in the population databases is considered unreliable, as metrics indicate poor data quality at this position in the gnomAD database. This sequence change replaces arginine, which is basic and polar, with serine, which is neutral and polar, at codon 1085 of the FASN protein (p.Arg1085Ser).